The following is an entry in ClinVar:

NM_139027.6(ADAMTS13):c.3567G>A (p.Trp1189Ter)

Gene: ADAMTS13 (ADAM metallopeptidase with thrombospondin type 1 motif 13; plus strand). Cytogenetic location: 9q34.2.
Variant type: single nucleotide variant.
Coding change: c.3567G>A on transcript NM_139027.6 (MANE Select); coding-DNA position 3567, G replaced by A.
Protein change: p.Trp1189Ter; replaces tryptophan 1189 with a stop codon.
Molecular consequence: nonsense. On other transcripts: non-coding transcript variant (1).
Genome position (GRCh38, 1-based): chr9:133,456,562, G>A. VCF-style: chr9-133456562-G-A. GRCh37 (hg19) VCF-style: chr9-136321684-G-A.
Other names: c.3735G>A, p.Trp1245Ter (NM_139025.5); c.3474G>A, p.Trp1158Ter (NM_139026.6); short protein forms W1158*, W1189*, W1245*.
Identifiers: ClinVar variation 2735366 (VCV002735366.3), dbSNP rs782546720, ClinGen allele CA375416965.
Genomic context (GRCh38, chr9:133,456,562, plus strand): 5'-GCGTGGGAGTGCTGGACCCTCACTGCCCTGCCGCTTCCTAGGGGACATGTTGCTGCTTTG[G>A]GGCCGGCTCACCTGGAGGAAGATGTGCAGGAAGCTGTTGGACATGACTTTCAGCTCCAAG-3'

ClinVar aggregate classification (germline): Pathogenic (1 of 4 stars; one submission).

gnomAD v4.1: 1 of 1,613,532 alleles (0.000062%); highest among the groups gnomAD compares: South Asian, 0.0011%; no homozygotes.

Submission:

Labcorp Genetics (formerly Invitae), Labcorp
Classification: Pathogenic. Last evaluated: 2023-12-09. Review status: criteria provided, single submitter. Criteria: Invitae Variant Classification Sherloc (09022015). Collection method: clinical testing. Allele origin: germline.
Comment: This sequence change creates a premature translational stop signal (p.Trp1245*) in the ADAMTS13 gene. It is expected to result in an absent or disrupted protein product. Loss-of-function variants in ADAMTS13 are known to be pathogenic (PMID: 11586351, 12753286, 21781265). This variant is not present in population databases (gnomAD no frequency). This premature translational stop signal has been observed in individual(s) with ADAMTS13-related conditions (PMID: 15327386). For these reasons, this variant has been classified as Pathogenic.

Literature cited by the submitters: PubMed 11586351; PubMed 12753286; PubMed 21781265; PubMed 15327386.